The following is an entry in ClinVar:

NM_000834.5(GRIN2B):c.291G>A (p.Val97=)

Gene: GRIN2B (glutamate ionotropic receptor NMDA type subunit 2B; minus strand). Cytogenetic location: 12p13.1.
Variant type: single nucleotide variant.
Coding change: c.291G>A on transcript NM_000834.5 (MANE Select); coding-DNA position 291, G replaced by A.
Protein change: p.Val97=; no amino-acid change (valine 97 retained).
Molecular consequence: synonymous variant.
Genome position (GRCh38, 1-based): chr12:13,865,918, C>T on the plus strand (G>A on the coding strand, the complement: GRIN2B is on the minus strand). VCF-style: chr12-13865918-C-T. GRCh37 (hg19) VCF-style: chr12-14018852-C-T.
Other names: p.V97V:GTG>GTA.
Identifiers: ClinVar variation 205700 (VCV000205700.24), dbSNP rs202223470, ClinGen allele CA315030.

ClinVar aggregate classification (germline): Conflicting classifications of pathogenicity. Review status: criteria provided, conflicting classifications (1 of 4 stars). 6 submissions from 6 submitters: Uncertain significance (1); Benign (1); Likely benign (3). 1 of the submissions does not count toward it. Last evaluated 2025-12-28.

Conditions:
GRIN2B-related disorder. Also called: GRIN2B-related condition.
Intellectual developmental disorder, autosomal dominant 6, with or without seizures. Also called: Intellectual disability, autosomal dominant 6; GRIN2B-related developmental delay, intellectual disability and autism spectrum disorder. Identifiers: Orphanet 589547, MedGen C3151411, MONDO:0013509, OMIM 613970.
Developmental and epileptic encephalopathy, 27 (DEE27). Also called: Epileptic encephalopathy, early infantile, 27; GRIN2B-Related Neurodevelopmental Disorder. Identifiers: Orphanet 3451, MedGen C4015316, MONDO:0014505, OMIM 616139.
Inborn genetic diseases. Identifiers: MedGen C0950123, MeSH D030342.

Allele frequency attached by ClinVar (database versions not stated): gnomAD exomes 0.00008; ExAC 0.00011; gnomAD 0.00013 and 0.00014; TOPMed 0.00014; ESP Exome Variant Server 0.00015.
gnomAD v4.1: 261 of 1,613,928 alleles (0.016%); highest among the groups gnomAD compares: Non-Finnish European, 0.021%; no homozygotes.

Submissions (6):

Labcorp Genetics (formerly Invitae), Labcorp
Classification: Likely benign for Developmental and epileptic encephalopathy, 27; Intellectual developmental disorder, autosomal dominant 6, with or without seizures. Last evaluated: 2025-12-28. Review status: criteria provided, single submitter. Criteria: Invitae Variant Classification Sherloc (09022015). Collection method: clinical testing. Allele origin: germline.

Blueprint Genetics
Classification: Likely benign. Last evaluated: 2022-12-28. Review status: criteria provided, single submitter. Criteria: ACMG Guidelines, 2015. Collection method: clinical testing. Allele origin: germline.

Ambry Genetics
Classification: Likely benign for Inborn genetic diseases. Last evaluated: 2016-06-24. Review status: criteria provided, single submitter. Criteria: Ambry Variant Classification Scheme 2023. Collection method: clinical testing. Allele origin: germline.

Genetic Services Laboratory, University of Chicago
Classification: Uncertain significance. Last evaluated: 2014-08-08. Review status: criteria provided, single submitter. Criteria: ACMG Guidelines, 2015. Collection method: clinical testing. Allele origin: germline.

GeneDx
Classification: Benign. Last evaluated: 2014-07-28. Review status: criteria provided, single submitter. Criteria: GeneDx Variant Classification (06012015). Collection method: clinical testing. Allele origin: germline. Affected: yes.
Comment: This variant is considered likely benign or benign based on one or more of the following criteria: it is a conservative change, it occurs at a poorly conserved position in the protein, it is predicted to be benign by multiple in silico algorithms, and/or has population frequency not consistent with disease.

PreventionGenetics, part of Exact Sciences
Classification: Likely benign for GRIN2B-related condition. Last evaluated: 2024-09-20. Review status: no assertion criteria provided. Collection method: clinical testing. Allele origin: germline. Not counted in ClinVar's aggregate classification.
Comment: This variant is classified as likely benign based on ACMG/AMP sequence variant interpretation guidelines (Richards et al. 2015 PMID: 25741868, with internal and published modifications).